The following is an entry in ClinVar:

NM_172107.4(KCNQ2):c.936G>T (p.Leu312Phe)

Gene: KCNQ2 (potassium voltage-gated channel subfamily Q member 2; minus strand). Cytogenetic location: 20q13.33.
Variant type: single nucleotide variant.
Coding change: c.936G>T on transcript NM_172107.4 (MANE Select); coding-DNA position 936, G replaced by T.
Protein change: p.Leu312Phe; replaces leucine 312 with phenylalanine.
Molecular consequence: missense variant.
Genome position (GRCh38, 1-based): chr20:63,438,712, C>A on the plus strand (G>T on the coding strand, the complement: KCNQ2 is on the minus strand). VCF-style: chr20-63438712-C-A. GRCh37 (hg19) VCF-style: chr20-62070065-C-A.
Other names: c.936G>T, p.Leu312Phe (NM_001382235.1, NM_004518.6, NM_172106.3 and 2 more transcripts); short protein forms L312F.
Identifiers: ClinVar variation 1329944 (VCV001329944.3), dbSNP rs2145712758, ClinGen allele CA409652325.

ClinVar aggregate classification (germline): Likely pathogenic (1 of 4 stars; one submission).

Conditions:
Seizures, benign familial neonatal, 1. Also called: KCNQ2-Related Benign Familial Neonatal Epilepsy; KCNQ2-Related Self-Limited Familial Neonatal Epilepsy (SLFNE); Benign Neonatal Epilepsy 1; Seizures, benign neonatal, 1. Identifiers: Orphanet 1949, MedGen C3149074, MONDO:0007365, OMIM 121200.

Submission:

Institute of Human Genetics, University of Leipzig Medical Center
Classification: Likely pathogenic for Seizures, benign familial neonatal, 1. Last evaluated: 2022-02-04. Review status: criteria provided, single submitter. Criteria: ACMG Guidelines, 2015. Collection method: clinical testing. Allele origin: de novo. Affected: yes.
Comment: This variant was identified as de novo (maternity and paternity confirmed). Criteria applied: PS2_MOD, PM1, PM2_SUP, PM5_SUP, PP3. The pateint became seizure-free under Levetiracetam and showed normal early development